The following is an entry in ClinVar:

NM_004415.4(DSP):c.2080G>A (p.Ala694Thr)

Gene: DSP (desmoplakin; plus strand). Cytogenetic location: 6p24.3.
Variant type: single nucleotide variant.
Coding change: c.2080G>A on transcript NM_004415.4 (MANE Select); coding-DNA position 2080, G replaced by A.
Protein change: p.Ala694Thr; replaces alanine 694 with threonine.
Molecular consequence: missense variant.
Genome position (GRCh38, 1-based): chr6:7,572,018, G>A. VCF-style: chr6-7572018-G-A. GRCh37 (hg19) VCF-style: chr6-7572251-G-A.
Other names: c.2080G>A, p.Ala694Thr (NM_001008844.3, NM_001319034.2); short protein forms A694T.
Identifiers: ClinVar variation 1411337 (VCV001411337.6), dbSNP rs2113680169, ClinGen allele CA362680507.

ClinVar aggregate classification (germline): Uncertain significance (1 of 4 stars; one submission).

Conditions:
Arrhythmogenic cardiomyopathy with wooly hair and keratoderma. Also called: PALMOPLANTAR KERATODERMA WITH LEFT VENTRICULAR CARDIOMYOPATHY AND WOOLLY HAIR; Dilated cardiomyopathy with woolly hair and keratoderma; Arrhythmogenic cardiomyopathy with woolly hair and keratoderma; Carvajal syndrome. Identifiers: Orphanet 65282, MedGen C1854063, MONDO:0011581, OMIM 605676.
Arrhythmogenic right ventricular dysplasia 8 (ARVD8). Also called: Arrhythmogenic Right Ventricular Dysplasia/Cardiomyopathy 8; ARRHYTHMOGENIC RIGHT VENTRICULAR DYSPLASIA, FAMILIAL, 8; ARRHYTHMOGENIC RIGHT VENTRICULAR CARDIOMYOPATHY 8. Identifiers: MedGen C1843896, MONDO:0011831, OMIM 607450.

Submission:

Labcorp Genetics (formerly Invitae), Labcorp
Classification: Uncertain significance for Arrhythmogenic cardiomyopathy with wooly hair and keratoderma; Arrhythmogenic right ventricular dysplasia 8. Last evaluated: 2022-10-31. Review status: criteria provided, single submitter. Criteria: Invitae Variant Classification Sherloc (09022015). Collection method: clinical testing. Allele origin: germline.
Comment: This sequence change replaces alanine, which is neutral and non-polar, with threonine, which is neutral and polar, at codon 694 of the DSP protein (p.Ala694Thr). In summary, the available evidence is currently insufficient to determine the role of this variant in disease. Therefore, it has been classified as a Variant of Uncertain Significance. Algorithms developed to predict the effect of missense changes on protein structure and function output the following: SIFT: "Tolerated"; PolyPhen-2: "Benign"; Align-GVGD: "Class C0". The threonine amino acid residue is found in multiple mammalian species, which suggests that this missense change does not adversely affect protein function. ClinVar contains an entry for this variant (Variation ID: 1411337). This variant has not been reported in the literature in individuals affected with DSP-related conditions. This variant is not present in population databases (gnomAD no frequency).